The following is an entry in ClinVar:

NM_001360016.2(G6PD):c.*520G>A

Gene: G6PD (glucose-6-phosphate dehydrogenase; minus strand). Cytogenetic location: Xq28.
Variant type: single nucleotide variant.
Coding change: c.*520G>A on transcript NM_001360016.2 (MANE Select); 520 bases downstream of the stop codon, G replaced by A.
Molecular consequence: 3 prime UTR variant.
Genome position (GRCh38, 1-based): chrX:154,531,480, C>T on the plus strand (G>A on the coding strand, the complement: G6PD is on the minus strand). VCF-style: chrX-154531480-C-T. GRCh37 (hg19) VCF-style: chrX-153759695-C-T.
Other names: c.*520G>A (NM_000402.4, NM_001042351.3).
Identifiers: ClinVar variation 368094 (VCV000368094.29), dbSNP rs782764609, ClinGen allele CA10654281.

ClinVar aggregate classification (germline): Conflicting classifications of pathogenicity. Review status: criteria provided, conflicting classifications (1 of 4 stars). 2 submissions from 2 submitters: Uncertain significance (1); Likely benign (1). Last evaluated 2022-12-01.

Conditions:
G6PD deficiency. Also called: G6PD A-. Identifiers: MedGen C2939465, MONDO:0005775.

Allele frequency attached by ClinVar (database versions not stated): 1000 Genomes Project 30x 0.00021; 1000 Genomes Project 0.00026; gnomAD exomes 0.00059; gnomAD 0.00104 and 0.00107; TOPMed 0.00133.

Submissions (2):

CeGaT Center for Human Genetics Tuebingen
Classification: Likely benign. Last evaluated: 2022-12-01. Review status: criteria provided, single submitter. Criteria: CeGaT Center For Human Genetics Tuebingen Variant Classification Criteria Version 2. Collection method: clinical testing. Allele origin: germline. Affected: yes. Observed: 1 variant allele.
Comment: G6PD: BS2

Illumina Laboratory Services, Illumina
Classification: Uncertain significance for Glucose 6 phosphate dehydrogenase deficiency. Last evaluated: 2018-01-13. Review status: criteria provided, single submitter. Criteria: ICSL Variant Classification Criteria 13 December 2019. Collection method: clinical testing. Allele origin: germline.